The following is an entry in ClinVar:

NM_144631.6(ZNF513):c.796G>C (p.Glu266Gln)

Gene: ZNF513 (zinc finger protein 513; minus strand). Cytogenetic location: 2p23.3.
Variant type: single nucleotide variant.
Coding change: c.796G>C on transcript NM_144631.6 (MANE Select); coding-DNA position 796, G replaced by C.
Protein change: p.Glu266Gln; replaces glutamic acid 266 with glutamine.
Molecular consequence: missense variant.
Genome position (GRCh38, 1-based): chr2:27,378,470, C>G on the plus strand (G>C on the coding strand, the complement: ZNF513 is on the minus strand). VCF-style: chr2-27378470-C-G. GRCh37 (hg19) VCF-style: chr2-27601337-C-G.
Other names: c.610G>C, p.Glu204Gln (NM_001201459.2); c.796G>C (NM_144631.5); short protein forms E204Q, E266Q.
Identifiers: ClinVar variation 1476269 (VCV001476269.8), dbSNP rs779642304, ClinGen allele CA1577961.

ClinVar aggregate classification (germline): Uncertain significance. Review status: criteria provided, multiple submitters, no conflicts (2 of 4 stars). 2 submissions from 2 submitters: Uncertain significance (2). Last evaluated 2025-08-20.

Allele frequency attached by ClinVar (database versions not stated): gnomAD 0.00003 and 0.00004; TOPMed 0.00005; ExAC 0.00007; gnomAD exomes 0.00007.
gnomAD v4.1: 24 of 1,614,014 alleles (0.0015%); highest among the groups gnomAD compares: Admixed American, 0.038%; no homozygotes.

Submissions (2):

Ambry Genetics
Classification: Uncertain significance. Last evaluated: 2025-08-20. Review status: criteria provided, single submitter. Criteria: Ambry Variant Classification Scheme 2023. Collection method: clinical testing. Allele origin: germline.

Labcorp Genetics (formerly Invitae), Labcorp
Classification: Uncertain significance. Last evaluated: 2025-03-18. Review status: criteria provided, single submitter. Criteria: Invitae Variant Classification Sherloc (09022015). Collection method: clinical testing. Allele origin: germline.
Comment: This sequence change replaces glutamic acid, which is acidic and polar, with glutamine, which is neutral and polar, at codon 266 of the ZNF513 protein (p.Glu266Gln). This variant is present in population databases (rs779642304, gnomAD 0.05%). This variant has not been reported in the literature in individuals affected with ZNF513-related conditions. ClinVar contains an entry for this variant (Variation ID: 1476269). An algorithm developed to predict the effect of missense changes on protein structure and function (PolyPhen-2) suggests that this variant is likely to be tolerated. In summary, the available evidence is currently insufficient to determine the role of this variant in disease. Therefore, it has been classified as a Variant of Uncertain Significance.